The following is an entry in ClinVar:

ClinVar aggregate classification (germline): Likely benign. Review status: criteria provided, multiple submitters, no conflicts (2 of 4 stars). 4 submissions from 4 submitters: Likely benign (4). Last evaluated 2025-11-17.

Conditions:
RYR1-related disorder. Also called: RYR1-related condition; RYR1-related disorders. Identifiers: MedGen CN239331.
Malignant hyperthermia, susceptibility to, 1 (MHS1). Also called: Anesthesia related hyperthermia; Malignant hyperpyrexia; Fulminating hyperpyrexia; Pharmacogenic myopathy; RYR1-Related Malignant Hyperthermia Susceptibility; Malignant hyperthermia suceptibility 1. Identifiers: Orphanet 423, MedGen C2930980, MONDO:0007783, OMIM 145600.

Allele frequency attached by ClinVar (database versions not stated): TOPMed 0.00006.
gnomAD v4.1: 37 of 1,611,554 alleles (0.0023%); highest among the groups gnomAD compares: African/African-American, 0.023%; no homozygotes.

Submissions (4):

Labcorp Genetics (formerly Invitae), Labcorp
Classification: Likely benign for RYR1-related disorder. Last evaluated: 2025-11-17. Review status: criteria provided, single submitter. Criteria: Invitae Variant Classification Sherloc (09022015). Collection method: clinical testing. Allele origin: germline.

Color Diagnostics, LLC DBA Color Health
Classification: Likely benign for Malignant hyperthermia, susceptibility to, 1. Last evaluated: 2024-02-14. Review status: criteria provided, single submitter. Criteria: ACMG Guidelines, 2015. Collection method: clinical testing. Allele origin: germline.

PreventionGenetics, part of Exact Sciences
Classification: Likely benign. Last evaluated: 2018-08-17. Review status: criteria provided, single submitter. Criteria: ACMG Guidelines, 2015. Collection method: clinical testing. Allele origin: germline.

GeneDx
Classification: Likely benign. Last evaluated: 2017-12-07. Review status: criteria provided, single submitter. Criteria: GeneDx Variant Classification (06012015). Collection method: clinical testing. Allele origin: germline. Affected: yes.
Comment: This variant is considered likely benign or benign based on one or more of the following criteria: it is a conservative change, it occurs at a poorly conserved position in the protein, it is predicted to be benign by multiple in silico algorithms, and/or has population frequency not consistent with disease.

NM_000540.3(RYR1):c.7878G>A (p.Leu2626=)

Gene: RYR1 (ryanodine receptor 1; plus strand). Cytogenetic location: 19q13.2.
Variant type: single nucleotide variant.
Coding change: c.7878G>A on transcript NM_000540.3 (MANE Select); coding-DNA position 7878, G replaced by A.
Protein change: p.Leu2626=; no amino-acid change (leucine 2626 retained).
Molecular consequence: synonymous variant.
Genome position (GRCh38, 1-based): chr19:38,502,922, G>A. VCF-style: chr19-38502922-G-A. GRCh37 (hg19) VCF-style: chr19-38993562-G-A.
Other names: c.7878G>A, p.Leu2626= (NM_001042723.2).
Identifiers: ClinVar variation 513884 (VCV000513884.10), dbSNP rs148907377, ClinGen allele CA070962.